The following is an entry in ClinVar:

ClinVar aggregate classification (germline): Uncertain significance. Review status: criteria provided, multiple submitters, no conflicts (2 of 4 stars). 2 submissions from 2 submitters: Uncertain significance (2). Last evaluated 2025-01-03.

Conditions:
Fetal akinesia deformation sequence 1 (FADS1). Also called: Pena-Shokeir syndrome type I; Fetal akinesia sequence. Identifiers: Orphanet 994, MedGen C1276035, MONDO:0100101, OMIM 208150, HP:0001989.
Congenital myasthenic syndrome 9. Also called: Myasthenic syndrome, congenital, 9, associated with acetylcholine receptor deficiency. Identifiers: Orphanet 590, MedGen C4225368, MONDO:0014587, OMIM 616325.
Inborn genetic diseases. Identifiers: MedGen C0950123, MeSH D030342.

Allele frequency attached by ClinVar (database versions not stated): gnomAD 0.00001; TOPMed 0.00001; 1000 Genomes Project 30x 0.00016; 1000 Genomes Project 0.00020.
gnomAD v4.1: 38 of 1,613,800 alleles (0.0024%); highest among the groups gnomAD compares: Non-Finnish European, 0.0029%; no homozygotes.

Submissions (2):

Ambry Genetics
Classification: Uncertain significance for Inborn genetic diseases. Last evaluated: 2025-01-03. Review status: criteria provided, single submitter. Criteria: Ambry Variant Classification Scheme 2023. Collection method: clinical testing. Allele origin: germline.

Labcorp Genetics (formerly Invitae), Labcorp
Classification: Uncertain significance for Congenital myasthenic syndrome 9; Fetal akinesia deformation sequence 1. Last evaluated: 2021-09-01. Review status: criteria provided, single submitter. Criteria: Invitae Variant Classification Sherloc (09022015). Collection method: clinical testing. Allele origin: germline.
Comment: This sequence change replaces arginine with histidine at codon 719 of the MUSK protein (p.Arg719His). The arginine residue is highly conserved and there is a small physicochemical difference between arginine and histidine. This variant is not present in population databases (ExAC no frequency). This variant has not been reported in the literature in individuals affected with MUSK-related conditions. Algorithms developed to predict the effect of missense changes on protein structure and function are either unavailable or do not agree on the potential impact of this missense change (SIFT: "Deleterious"; PolyPhen-2: "Probably Damaging"; Align-GVGD: "Class C0"). In summary, the available evidence is currently insufficient to determine the role of this variant in disease. Therefore, it has been classified as a Variant of Uncertain Significance.

NM_005592.4(MUSK):c.2156G>A (p.Arg719His)

Gene: MUSK (muscle associated receptor tyrosine kinase; plus strand). Cytogenetic location: 9q31.3.
Variant type: single nucleotide variant.
Coding change: c.2156G>A on transcript NM_005592.4 (MANE Select); coding-DNA position 2156, G replaced by A.
Protein change: p.Arg719His; replaces arginine 719 with histidine.
Molecular consequence: missense variant.
Genome position (GRCh38, 1-based): chr9:110,800,534, G>A. VCF-style: chr9-110800534-G-A. GRCh37 (hg19) VCF-style: chr9-113562814-G-A.
Other names: c.1898G>A, p.Arg633His (NM_001166280.2); c.1868G>A, p.Arg623His (NM_001166281.2); c.896G>A, p.Arg299His (NM_001369398.1); c.2156G>A (NM_005592.3); short protein forms R299H, R623H, R633H, R719H.
Identifiers: ClinVar variation 1508256 (VCV001508256.6), dbSNP rs545173798, ClinGen allele CA198363529.